The following is an entry in ClinVar:

ClinVar aggregate classification (germline): Uncertain significance (1 of 4 stars; one submission).

Conditions:
Inborn genetic diseases. Identifiers: MedGen C0950123, MeSH D030342.

gnomAD v4.1: 5 of 1,614,028 alleles (0.00031%); highest among the groups gnomAD compares: East Asian, 0.011%; no homozygotes.

Submission:

Ambry Genetics
Classification: Uncertain significance for Inborn genetic diseases. Last evaluated: 2025-02-08. Review status: criteria provided, single submitter. Criteria: Ambry Variant Classification Scheme 2023. Collection method: clinical testing. Allele origin: germline.
Comment: The p.Q184H variant (also known as c.552A>T), located in coding exon 1 of the SAMD9L gene, results from an A to T substitution at nucleotide position 552. The glutamine at codon 184 is replaced by histidine, an amino acid with highly similar properties. This amino acid position is conserved. In addition, this alteration is predicted to be tolerated by in silico analysis. Based on the available evidence, the clinical significance of this variant remains unclear.

NM_152703.5(SAMD9L):c.552A>T (p.Gln184His)

Gene: SAMD9L (sterile alpha motif domain containing 9 like; minus strand). Cytogenetic location: 7q21.2.
Variant type: single nucleotide variant.
Coding change: c.552A>T on transcript NM_152703.5 (MANE Select); coding-DNA position 552, A replaced by T.
Protein change: p.Gln184His; replaces glutamine 184 with histidine.
Molecular consequence: missense variant.
Genome position (GRCh38, 1-based): chr7:93,135,420, T>A on the plus strand (A>T on the coding strand, the complement: SAMD9L is on the minus strand). VCF-style: chr7-93135420-T-A. GRCh37 (hg19) VCF-style: chr7-92764733-T-A.
Other names: c.552A>T, p.Gln184His (NM_001303496.3, NM_001303497.3, NM_001303498.3 and 5 more transcripts); short protein forms Q184H.
Identifiers: ClinVar variation 3792402 (VCV003792402.1).
Genomic context (GRCh38, chr7:93,135,420, plus strand): 5'-GTTTGTGAGAGCTTTGAACTCATGTATTGGATCAATGAGATTGAGTGCTCCTGTTTCAGG[T>A]TGTAGAGTATAATGTTCTATGTAGCGATGGCTGTCATGGAACTGATCAAAAGGATATGGC-3'
Protein context (NP_689916.2, residues 174-194): SHRYIEHYTL[Gln184His]PETGALNLID